The following is an entry in ClinVar:

ClinVar aggregate classification (germline): Likely benign. Review status: criteria provided, multiple submitters, no conflicts (2 of 4 stars). 2 submissions from 2 submitters: Likely benign (2). Last evaluated 2018-06-14.

Allele frequency attached by ClinVar (database versions not stated): 1000 Genomes Project 30x 0.00203; 1000 Genomes Project 0.00220; ESP Exome Variant Server 0.00684; TOPMed 0.00689; gnomAD 0.00721 and 0.00750; gnomAD exomes 0.00792 and 0.00950.

Submissions (2):

GeneDx
Classification: Likely benign. Last evaluated: 2018-06-14. Review status: criteria provided, single submitter. Criteria: GeneDx Variant Classification (06012015). Collection method: clinical testing. Allele origin: germline. Affected: yes.
Comment: This variant is considered likely benign or benign based on one or more of the following criteria: it is a conservative change, it occurs at a poorly conserved position in the protein, it is predicted to be benign by multiple in silico algorithms, and/or has population frequency not consistent with disease.

Breakthrough Genomics
Classification: Likely benign. Review status: criteria provided, single submitter. Criteria: ACMG Guidelines, 2015. Collection method: not provided. Allele origin: germline. Inheritance: Autosomal recessive inheritance. Affected: yes.

NM_012463.4(ATP6V0A2):c.649-36G>A

Gene: ATP6V0A2 (ATPase H+ transporting V0 subunit a2; plus strand). Cytogenetic location: 12q24.31.
Variant type: single nucleotide variant.
Coding change: c.649-36G>A on transcript NM_012463.4 (MANE Select); 36 bases into the intron before coding-DNA position 649, G replaced by A.
Molecular consequence: intron variant.
Genome position (GRCh38, 1-based): chr12:123,733,890, G>A. VCF-style: chr12-123733890-G-A. GRCh37 (hg19) VCF-style: chr12-124218437-G-A.
Identifiers: ClinVar variation 674874 (VCV000674874.2), dbSNP rs143993135, ClinGen allele CA6861692.